The following is an entry in ClinVar:

NM_023110.3(FGFR1):c.2260C>G (p.Leu754Val)

Gene: FGFR1 (fibroblast growth factor receptor 1; minus strand). Cytogenetic location: 8p11.23.
Variant type: single nucleotide variant.
Coding change: c.2260C>G on transcript NM_023110.3 (MANE Select); coding-DNA position 2260, C replaced by G.
Protein change: p.Leu754Val; replaces leucine 754 with valine.
Molecular consequence: missense variant.
Genome position (GRCh38, 1-based): chr8:38,413,950, G>C on the plus strand (C>G on the coding strand, the complement: FGFR1 is on the minus strand). VCF-style: chr8-38413950-G-C. GRCh37 (hg19) VCF-style: chr8-38271468-G-C.
Other names: c.2254C>G, p.Leu752Val (NM_001174063.2, NM_001174065.2, NM_001354367.2 and 1 more transcripts); c.2230C>G, p.Leu744Val (NM_001174064.2); c.1993C>G, p.Leu665Val (NM_001174066.2, NM_023105.3); c.2353C>G, p.Leu785Val (NM_001174067.2); c.1981C>G, p.Leu661Val (NM_001354368.2); c.2248C>G, p.Leu750Val (NM_001354369.2, NM_001410922.1); c.1987C>G, p.Leu663Val (NM_001354370.2, NM_023106.3); short protein forms L661V, L752V, L754V, L785V, L744V, L665V, L750V, L663V.
Identifiers: ClinVar variation 4782775 (VCV004782775.1).

ClinVar aggregate classification (germline): Uncertain significance (1 of 4 stars; one submission).

Conditions:
Hypogonadotropic hypogonadism 2 with or without anosmia (HH2). Also called: HYPOGONADOTROPIC HYPOGONADISM 2 WITHOUT ANOSMIA; HYPOGONADOTROPIC HYPOGONADISM 2 WITH OR WITHOUT ANOSMIA, SUSCEPTIBILITY TO; HYPOGONADOTROPIC HYPOGONADISM 2 WITHOUT ANOSMIA, SUSCEPTIBILITY TO; FGFR1-Related GnRH Deficiency (Kallmann Syndrome 2). Identifiers: Orphanet 478, MedGen C1563720, MONDO:0007844, OMIM 147950. Disease mechanism: loss of function.
Pfeiffer syndrome (ACS5). Also called: ACS V. Identifiers: Orphanet 710, MedGen C0220658, MONDO:0007043, OMIM 101600.

Submission:

Labcorp Genetics (formerly Invitae), Labcorp
Classification: Uncertain significance for Pfeiffer syndrome; Hypogonadotropic hypogonadism 2 with or without anosmia. Last evaluated: 2025-12-23. Review status: criteria provided, single submitter. Criteria: Invitae Variant Classification Sherloc (09022015). Collection method: clinical testing. Allele origin: germline.
Comment: This sequence change replaces leucine, which is neutral and non-polar, with valine, which is neutral and non-polar, at codon 754 of the FGFR1 protein (p.Leu754Val). This variant is not present in population databases (gnomAD no frequency). This variant has not been reported in the literature in individuals affected with FGFR1-related conditions. Invitae Evidence Modeling of protein sequence and biophysical properties (such as structural, functional, and spatial information, amino acid conservation, physicochemical variation, residue mobility, and thermodynamic stability) has been performed for this missense variant. However, the output from this modeling did not meet the statistical confidence thresholds required to predict the impact of this variant on FGFR1 protein function. In summary, the available evidence is currently insufficient to determine the role of this variant in disease. Therefore, it has been classified as a Variant of Uncertain Significance.